The following is an entry in ClinVar:

ClinVar aggregate classification (germline): Uncertain significance (1 of 4 stars; one submission).

Conditions:
Multiple congenital exostosis (EXT). Also called: Hereditary multiple osteochondromas; MULTIPLE CARTILAGINOUS EXOSTOSES; Multiple exostoses; Hereditary multiple exostoses; Hereditary multiple exostosis; Multiple osteochondromas. Identifiers: Orphanet 321, MedGen C0015306, MONDO:0005508, HP:0002762.

Submission:

Labcorp Genetics (formerly Invitae), Labcorp
Classification: Uncertain significance for Multiple congenital exostosis. Last evaluated: 2021-09-17. Review status: criteria provided, single submitter. Criteria: Invitae Variant Classification Sherloc (09022015). Collection method: clinical testing. Allele origin: germline.
Comment: This sequence change replaces leucine with phenylalanine at codon 108 of the EXT1 protein (p.Leu108Phe). The leucine residue is moderately conserved and there is a small physicochemical difference between leucine and phenylalanine. This variant is not present in population databases (ExAC no frequency). This variant has not been reported in the literature in individuals affected with EXT1-related conditions. Advanced modeling of protein sequence and biophysical properties (such as structural, functional, and spatial information, amino acid conservation, physicochemical variation, residue mobility, and thermodynamic stability) performed at Invitae indicates that this missense variant is not expected to disrupt EXT1 protein function. In summary, the available evidence is currently insufficient to determine the role of this variant in disease. Therefore, it has been classified as a Variant of Uncertain Significance.

NM_000127.3(EXT1):c.322C>T (p.Leu108Phe)

Gene: EXT1 (exostosin glycosyltransferase 1; minus strand). Cytogenetic location: 8q24.11.
Variant type: single nucleotide variant.
Coding change: c.322C>T on transcript NM_000127.3 (MANE Select); coding-DNA position 322, C replaced by T.
Protein change: p.Leu108Phe; replaces leucine 108 with phenylalanine.
Molecular consequence: missense variant.
Genome position (GRCh38, 1-based): chr8:118,110,725, G>A on the plus strand (C>T on the coding strand, the complement: EXT1 is on the minus strand). VCF-style: chr8-118110725-G-A. GRCh37 (hg19) VCF-style: chr8-119122964-G-A.
Other names: short protein forms L108F.
Identifiers: ClinVar variation 1416631 (VCV001416631.6), dbSNP rs2130044245, ClinGen allele CA371916108.